The following is an entry in ClinVar:

NM_000285.4(PEPD):c.992G>A (p.Arg331His)

Gene: PEPD (peptidase D; minus strand). Cytogenetic location: 19q13.11.
Variant type: single nucleotide variant.
Coding change: c.992G>A on transcript NM_000285.4 (MANE Select); coding-DNA position 992, G replaced by A.
Protein change: p.Arg331His; replaces arginine 331 with histidine.
Molecular consequence: missense variant.
Genome position (GRCh38, 1-based): chr19:33,391,455, C>T on the plus strand (G>A on the coding strand, the complement: PEPD is on the minus strand). VCF-style: chr19-33391455-C-T. GRCh37 (hg19) VCF-style: chr19-33882361-C-T.
Other names: c.869G>A, p.Arg290His (NM_001166056.2); c.800G>A, p.Arg267His (NM_001166057.2); short protein forms R290H, R267H, R331H.
Identifiers: ClinVar variation 2151217 (VCV002151217.1), dbSNP rs1436135867, ClinGen allele CA405222020.

ClinVar aggregate classification (germline): Uncertain significance (1 of 4 stars; one submission).

Allele frequency attached by ClinVar (database versions not stated): gnomAD 0.00001; TOPMed 0.00001.

Submission:

Labcorp Genetics (formerly Invitae), Labcorp
Classification: Uncertain significance. Last evaluated: 2022-07-19. Review status: criteria provided, single submitter. Criteria: Invitae Variant Classification Sherloc (09022015). Collection method: clinical testing. Allele origin: germline.
Comment: This sequence change replaces arginine, which is basic and polar, with histidine, which is basic and polar, at codon 331 of the PEPD protein (p.Arg331His). This variant is not present in population databases (gnomAD no frequency). This variant has not been reported in the literature in individuals affected with PEPD-related conditions. Algorithms developed to predict the effect of missense changes on protein structure and function (SIFT, PolyPhen-2, Align-GVGD) all suggest that this variant is likely to be tolerated. In summary, the available evidence is currently insufficient to determine the role of this variant in disease. Therefore, it has been classified as a Variant of Uncertain Significance.